The following is an entry in ClinVar:

NM_018297.4(NGLY1):c.690G>T (p.Leu230Phe)

Gene: NGLY1 (N-glycanase 1; minus strand). Cytogenetic location: 3p24.2.
Variant type: single nucleotide variant.
Coding change: c.690G>T on transcript NM_018297.4 (MANE Select); coding-DNA position 690, G replaced by T.
Protein change: p.Leu230Phe; replaces leucine 230 with phenylalanine.
Molecular consequence: missense variant.
Genome position (GRCh38, 1-based): chr3:25,739,768, C>A on the plus strand (G>T on the coding strand, the complement: NGLY1 is on the minus strand). VCF-style: chr3-25739768-C-A. GRCh37 (hg19) VCF-style: chr3-25781259-C-A.
Other names: c.690G>T, p.Leu230Phe (NM_001145293.2, NM_001145295.2); c.564G>T, p.Leu188Phe (NM_001145294.2); short protein forms L188F, L230F.
Identifiers: ClinVar variation 1060251 (VCV001060251.5), dbSNP rs2125485635, ClinGen allele CA351904483.
Genomic context (GRCh38, chr3:25,739,768, plus strand): 5'-GCACAAAACGTTATTCACCCAGTGAAAAAATTCTTCCTTAAACCAGTGCAAAAGCTCCAG[C>A]AAAAGAAAATCCTCATCACTTATATTGATACCTGAGAAATTAAGGGAGGACCAAGTAAGA-3'
Protein context (NP_060767.2, residues 220-240): GINISDEDFL[Leu230Phe]LELLHWFKEE

ClinVar aggregate classification (germline): Uncertain significance (1 of 4 stars; one submission).

Conditions:
Congenital disorder of deglycosylation (CDDG). Identifiers: MedGen C3808991, MONDO:0031376.

Submission:

Labcorp Genetics (formerly Invitae), Labcorp
Classification: Uncertain significance for Congenital disorder of deglycosylation. Last evaluated: 2022-01-06. Review status: criteria provided, single submitter. Criteria: Invitae Variant Classification Sherloc (09022015). Collection method: clinical testing. Allele origin: germline.
Comment: This variant has not been reported in the literature in individuals affected with NGLY1-related conditions. In summary, the available evidence is currently insufficient to determine the role of this variant in disease. Therefore, it has been classified as a Variant of Uncertain Significance. Algorithms developed to predict the effect of missense changes on protein structure and function are either unavailable or do not agree on the potential impact of this missense change (SIFT: "Deleterious"; PolyPhen-2: "Possibly Damaging"; Align-GVGD: "Class C0"). ClinVar contains an entry for this variant (Variation ID: 1060251). This variant is not present in population databases (gnomAD no frequency). This sequence change replaces leucine, which is neutral and non-polar, with phenylalanine, which is neutral and non-polar, at codon 230 of the NGLY1 protein (p.Leu230Phe).